The following is an entry in ClinVar:

ClinVar aggregate classification (germline): Uncertain significance (1 of 4 stars; one submission).

Allele frequency attached by ClinVar (database versions not stated): gnomAD exomes below 0.00001; gnomAD 0.00001; TOPMed 0.00001.
gnomAD v4.1: 3 of 1,613,772 alleles (0.00019%); highest among the groups gnomAD compares: African/African-American, 0.004%; no homozygotes.

Submission:

Labcorp Genetics (formerly Invitae), Labcorp
Classification: Uncertain significance. Last evaluated: 2023-06-20. Review status: criteria provided, single submitter. Criteria: Invitae Variant Classification Sherloc (09022015). Collection method: clinical testing. Allele origin: germline.
Comment: In summary, the available evidence is currently insufficient to determine the role of this variant in disease. Therefore, it has been classified as a Variant of Uncertain Significance. An algorithm developed to predict the effect of missense changes on protein structure and function (PolyPhen-2) suggests that this variant is likely to be disruptive. This variant has not been reported in the literature in individuals affected with MACF1-related conditions. This variant is not present in population databases (gnomAD no frequency). This sequence change replaces glutamine, which is neutral and polar, with glutamic acid, which is acidic and polar, at codon 4558 of the MACF1 protein (p.Gln4558Glu).

NM_001394062.1(MACF1):c.19849C>G (p.Gln6617Glu)

Gene: MACF1 (microtubule actin crosslinking factor 1; plus strand). Cytogenetic location: 1p34.3.
Variant type: single nucleotide variant.
Coding change: c.19849C>G on transcript NM_001394062.1 (MANE Select); coding-DNA position 19849, C replaced by G.
Protein change: p.Gln6617Glu; replaces glutamine 6617 with glutamic acid.
Molecular consequence: missense variant.
Genome position (GRCh38, 1-based): chr1:39,447,779, C>G. VCF-style: chr1-39447779-C-G. GRCh37 (hg19) VCF-style: chr1-39913451-C-G.
Other names: c.7927C>G, p.Gln2643Glu (NM_001397473.1); c.13672C>G, p.Gln4558Glu (NM_012090.5); short protein forms Q4558E, Q6617E, Q2643E.
Identifiers: ClinVar variation 2792179 (VCV002792179.3), dbSNP rs1404903243, ClinGen allele CA339819840.